The following is an entry in ClinVar:

NM_001308093.3(GATA4):c.1001-36C>T

Gene: GATA4 (GATA binding protein 4). Cytogenetic location: 8p23.1.
Variant type: single nucleotide variant.
Coding change: c.1001-36C>T on transcript NM_001308093.3 (MANE Select); 36 bases into the intron before coding-DNA position 1001, C replaced by T.
Molecular consequence: intron variant.
Genome position (GRCh38, 1-based): chr8:11,756,899, C>T. VCF-style: chr8-11756899-C-T. GRCh37 (hg19) VCF-style: chr8-11614408-C-T.
Other names: c.380-36C>T (NM_001308094.2, NM_001374273.1); c.998-36C>T (NM_002052.5); c.254-36C>T (NM_001374274.1).
Identifiers: ClinVar variation 3047440 (VCV003047440.3), dbSNP rs372062855, ClinGen allele CA4630791.

ClinVar aggregate classification (germline): Likely benign. Review status: criteria provided, single submitter (1 of 4 stars). 2 submissions from 2 submitters: Likely benign (1). 1 of the submissions does not count toward it. Last evaluated 2024-10-28.

Conditions:
GATA4-related disorder. Also called: GATA4-related condition. Identifiers: MedGen CN860321.

Allele frequency attached by ClinVar (database versions not stated): ESP Exome Variant Server 0.00008; TOPMed 0.00010; gnomAD 0.00020; gnomAD exomes 0.00030; 1000 Genomes Project 30x 0.00047; 1000 Genomes Project 0.00060; ExAC 0.00067.
gnomAD v4.1: 469 of 1,614,132 alleles (0.029%); highest among the groups gnomAD compares: South Asian, 0.37%; 6 homozygotes.

Submissions (2):

Blueprint Genetics
Classification: Likely benign. Last evaluated: 2024-10-28. Review status: criteria provided, single submitter. Criteria: ACMG Guidelines, 2015. Collection method: clinical testing. Allele origin: germline.

PreventionGenetics, part of Exact Sciences
Classification: Likely benign for GATA4-related condition. Last evaluated: 2021-05-05. Review status: no assertion criteria provided. Collection method: clinical testing. Allele origin: germline. Not counted in ClinVar's aggregate classification.
Comment: This variant is classified as likely benign based on ACMG/AMP sequence variant interpretation guidelines (Richards et al. 2015 PMID: 25741868, with internal and published modifications).